The following is an entry in ClinVar:

ClinVar aggregate classification (germline): Uncertain significance (1 of 4 stars; one submission).

Submission:

Labcorp Genetics (formerly Invitae), Labcorp
Classification: Uncertain significance. Last evaluated: 2022-06-04. Review status: criteria provided, single submitter. Criteria: Invitae Variant Classification Sherloc (09022015). Collection method: clinical testing. Allele origin: germline.
Comment: In summary, the available evidence is currently insufficient to determine the role of this variant in disease. Therefore, it has been classified as a Variant of Uncertain Significance. This sequence change replaces histidine, which is basic and polar, with leucine, which is neutral and non-polar, at codon 1567 of the CEP250 protein (p.His1567Leu). This variant is not present in population databases (gnomAD no frequency). This variant has not been reported in the literature in individuals affected with CEP250-related conditions. Algorithms developed to predict the effect of missense changes on protein structure and function are either unavailable or do not agree on the potential impact of this missense change (SIFT: "Not Available"; PolyPhen-2: "Possibly Damaging"; Align-GVGD: "Not Available").

NM_007186.6(CEP250):c.4700A>T (p.His1567Leu)

Gene: CEP250 (centrosomal protein 250; plus strand). Cytogenetic location: 20q11.22.
Variant type: single nucleotide variant.
Coding change: c.4700A>T on transcript NM_007186.6 (MANE Select); coding-DNA position 4700, A replaced by T.
Protein change: p.His1567Leu; replaces histidine 1567 with leucine.
Molecular consequence: missense variant.
Genome position (GRCh38, 1-based): chr20:35,503,069, A>T. VCF-style: chr20-35503069-A-T. GRCh37 (hg19) VCF-style: chr20-34090897-A-T.
Other names: c.2804A>T, p.His935Leu (NM_001318219.1); short protein forms H1567L, H935L.
Identifiers: ClinVar variation 1941866 (VCV001941866.5), dbSNP rs1406400673, ClinGen allele CA408749218.